The following is an entry in ClinVar:

ClinVar aggregate classification (germline): Likely pathogenic (1 of 4 stars; one submission).

Conditions:
Deficiency of alpha-mannosidase (MANSA). Also called: Mannosidosis, alpha-, types I and II; LYSOSOMAL ALPHA-D-MANNOSIDASE DEFICIENCY; Alpha-Mannosidosis. Identifiers: Orphanet 61, MedGen C0024748, MONDO:0009561, OMIM 248500.

Submission:

Juno Genomics, Hangzhou Juno Genomics, Inc
Classification: Likely pathogenic for Deficiency of alpha-mannosidase. Review status: criteria provided, single submitter. Criteria: ACMG Guidelines, 2015. Collection method: clinical testing. Allele origin: germline.
Comment: Null variant in a gene where loss of function (LOF) is a known mechanism of disease.;Absent from controls (or at extremely low frequency if recessive) in Genome Aggregation Database.

NM_000528.4(MAN2B1):c.1372del (p.Ala458fs)

Genes: MAN2B1 (mannosidase alpha class 2B member 1; minus strand), LOC129391064 (MPRA-validated peak3365 silencer; plus strand). Cytogenetic location: 19p13.13.
Variant type: Deletion.
Coding change: c.1372del on transcript NM_000528.4 (MANE Select); coding-DNA position 1372, one base deleted (G; older notation c.1372delG).
Protein change: p.Ala458fs; shifts the reading frame from alanine 458.
Molecular consequence: frameshift variant.
Genome position (GRCh38, 1-based): chr19:12,657,493, C deleted on the plus strand (G on the coding strand, the reverse complement: MAN2B1 is on the minus strand); the first of 2 consecutive C bases (chr19:12,657,493-12,657,494); deleting either gives the same sequence. VCF-style (leftmost placement, unchanged base first): chr19-12657492-GC-G. GRCh37 (hg19) VCF-style: chr19-12768306-GC-G.
Other names: c.1369del, p.Ala457fs (NM_001173498.2); c.1375del, p.Ala459fs (NM_001440570.1); short protein forms A457fs, A458fs, A459fs.
Identifiers: ClinVar variation 5005924 (VCV005005924.2).